The following is an entry in ClinVar:

NM_001040108.2(MLH3):c.2837C>T (p.Ser946Phe)

Gene: MLH3 (mutL homolog 3; minus strand). Cytogenetic location: 14q24.3.
Variant type: single nucleotide variant.
Coding change: c.2837C>T on transcript NM_001040108.2 (MANE Select); coding-DNA position 2837, C replaced by T.
Protein change: p.Ser946Phe; replaces serine 946 with phenylalanine.
Molecular consequence: missense variant.
Genome position (GRCh38, 1-based): chr14:75,046,819, G>A on the plus strand (C>T on the coding strand, the complement: MLH3 is on the minus strand). VCF-style: chr14-75046819-G-A. GRCh37 (hg19) VCF-style: chr14-75513522-G-A.
Other names: c.2837C>T, p.Ser946Phe (NM_014381.3); short protein forms S946F.
Identifiers: ClinVar variation 849685 (VCV000849685.11), dbSNP rs201441389, ClinGen allele CA263647939.
Genomic context (GRCh38, chr14:75,046,819, plus strand): 5'-GATATCACACAGTTCTCTGTTGTATTGCTGTTAGAATGTGTTTTACTATTTTTATTAAAG[G>A]AATTATCCTGTGTGGCAGAATCTGATGTTGGGATGACACCATTCTCTGTTTTTTCATGCT-3'
Protein context (NP_001035197.1, residues 936-956): PTSDSATQDN[Ser946Phe]FNKNSKTHSN

ClinVar aggregate classification (germline): Uncertain significance. Review status: criteria provided, multiple submitters, no conflicts (2 of 4 stars). 2 submissions from 2 submitters: Uncertain significance (2). Last evaluated 2025-12-05.

Conditions:
Colorectal cancer, hereditary nonpolyposis, type 7. Identifiers: Orphanet 144, MedGen C1858380, MONDO:0013725, OMIM 614385.

Allele frequency attached by ClinVar (database versions not stated): gnomAD exomes below 0.00001; gnomAD 0.00001; TOPMed 0.00001; 1000 Genomes Project 30x 0.00016; 1000 Genomes Project 0.00020.

Submissions (2):

Ambry Genetics
Classification: Uncertain significance. Last evaluated: 2025-12-05. Review status: criteria provided, single submitter. Criteria: Ambry Variant Classification Scheme 2023. Collection method: clinical testing. Allele origin: germline.
Comment: The p.S946F variant (also known as c.2837C>T), located in coding exon 1 of the MLH3 gene, results from a C to T substitution at nucleotide position 2837. The serine at codon 946 is replaced by phenylalanine, an amino acid with highly dissimilar properties. This amino acid position is not well conserved in available vertebrate species. In addition, this alteration is predicted to be tolerated by in silico analysis. The evidence for this gene-disease relationship is limited; therefore, the clinical significance of this alteration is unclear.

Labcorp Genetics (formerly Invitae), Labcorp
Classification: Uncertain significance for Colorectal cancer, hereditary nonpolyposis, type 7. Last evaluated: 2024-06-06. Review status: criteria provided, single submitter. Criteria: Invitae Variant Classification Sherloc (09022015). Collection method: clinical testing. Allele origin: germline.
Comment: This sequence change replaces serine, which is neutral and polar, with phenylalanine, which is neutral and non-polar, at codon 946 of the MLH3 protein (p.Ser946Phe). This variant is not present in population databases (gnomAD no frequency). This variant has not been reported in the literature in individuals affected with MLH3-related conditions. ClinVar contains an entry for this variant (Variation ID: 849685). An algorithm developed to predict the effect of missense changes on protein structure and function (PolyPhen-2) suggests that this variant is likely to be disruptive. In summary, the available evidence is currently insufficient to determine the role of this variant in disease. Therefore, it has been classified as a Variant of Uncertain Significance.